The following is an entry in ClinVar:

ClinVar aggregate classification (germline): Uncertain significance. Review status: criteria provided, multiple submitters, no conflicts (2 of 4 stars). 2 submissions from 2 submitters: Uncertain significance (2). Last evaluated 2025-03-14.

Conditions:
Inborn genetic diseases. Identifiers: MedGen C0950123, MeSH D030342.

Allele frequency attached by ClinVar (database versions not stated): gnomAD exomes below 0.00001 and 0.00002; ExAC 0.00001.
gnomAD v4.1: 9 of 1,602,400 alleles (0.00056%); highest among the groups gnomAD compares: Admixed American, 0.0052%; no homozygotes.

Submissions (2):

Ambry Genetics
Classification: Uncertain significance for Inborn genetic diseases. Last evaluated: 2025-03-14. Review status: criteria provided, single submitter. Criteria: Ambry Variant Classification Scheme 2023. Collection method: clinical testing. Allele origin: germline.

Labcorp Genetics (formerly Invitae), Labcorp
Classification: Uncertain significance. Last evaluated: 2022-09-06. Review status: criteria provided, single submitter. Criteria: Invitae Variant Classification Sherloc (09022015). Collection method: clinical testing. Allele origin: germline.
Comment: In summary, the available evidence is currently insufficient to determine the role of this variant in disease. Therefore, it has been classified as a Variant of Uncertain Significance. Algorithms developed to predict the effect of missense changes on protein structure and function are either unavailable or do not agree on the potential impact of this missense change (SIFT: "Deleterious"; PolyPhen-2: "Possibly Damaging"; Align-GVGD: "Class C0"). ClinVar contains an entry for this variant (Variation ID: 1418227). This variant has not been reported in the literature in individuals affected with IFT81-related conditions. This variant is present in population databases (rs767737916, gnomAD 0.01%). This sequence change replaces leucine, which is neutral and non-polar, with phenylalanine, which is neutral and non-polar, at codon 578 of the IFT81 protein (p.Leu578Phe).

NM_014055.4(IFT81):c.1732C>T (p.Leu578Phe)

Gene: IFT81 (intraflagellar transport 81; plus strand). Cytogenetic location: 12q24.11.
Variant type: single nucleotide variant.
Coding change: c.1732C>T on transcript NM_014055.4 (MANE Select); coding-DNA position 1732, C replaced by T.
Protein change: p.Leu578Phe; replaces leucine 578 with phenylalanine.
Molecular consequence: missense variant. On other transcripts: non-coding transcript variant (4).
Genome position (GRCh38, 1-based): chr12:110,205,610, C>T. VCF-style: chr12-110205610-C-T. GRCh37 (hg19) VCF-style: chr12-110643415-C-T.
Other names: c.1732C>T, p.Leu578Phe (NM_001143779.2); c.802C>T, p.Leu268Phe (NM_001347947.2, NM_001347948.2); c.1732C>T (NM_014055.3); short protein forms L268F, L578F.
Identifiers: ClinVar variation 1418227 (VCV001418227.9), dbSNP rs767737916, ClinGen allele CA6783471.
Genomic context (GRCh38, chr12:110,205,610, plus strand): 5'-TTTCTATATCAAAGTCTTCCCTAAAACTGAAGTCTTTCTATTTAGAACCTAGAAGTTCAA[C>T]TTCGTCGTGCTACTGATGAGATGAAGGCATATATCTCTTCTGATCAACAAGAAAAAAGAA-3'
Protein context (NP_054774.2, residues 568-588): NCMIKNLEVQ[Leu578Phe]RRATDEMKAY